The following is an entry in ClinVar:

ClinVar aggregate classification (germline): Uncertain significance (1 of 4 stars; one submission).

Submission:

GeneDx
Classification: Uncertain significance. Last evaluated: 2021-01-06. Review status: criteria provided, single submitter. Criteria: GeneDx Variant Classification Process June 2021. Collection method: clinical testing. Allele origin: germline. Affected: yes.
Comment: Not observed in large population cohorts (Lek et al., 2016); In silico analysis supports that this missense variant does not alter protein structure/function; Has not been previously published as pathogenic or benign to our knowledge

NM_005120.3(MED12):c.3572A>T (p.Asp1191Val)

Gene: MED12 (mediator complex subunit 12; plus strand). Cytogenetic location: Xq13.1.
Variant type: single nucleotide variant.
Coding change: c.3572A>T on transcript NM_005120.3 (MANE Select); coding-DNA position 3572, A replaced by T.
Protein change: p.Asp1191Val; replaces aspartic acid 1191 with valine.
Molecular consequence: missense variant.
Genome position (GRCh38, 1-based): chrX:71,129,210, A>T. VCF-style: chrX-71129210-A-T. GRCh37 (hg19) VCF-style: chrX-70349060-A-T.
Other names: short protein forms D1191V.
Identifiers: ClinVar variation 1304427 (VCV001304427.2), dbSNP rs2147804957, ClinGen allele CA413519976.